The following is an entry in ClinVar:

ClinVar aggregate classification (germline): Likely pathogenic (1 of 4 stars; one submission).

Conditions:
Cerebellar ataxia, impaired intellectual development, and dysequilibrium syndrome 4. Also called: CEREBELLAR ATAXIA AND MENTAL RETARDATION WITH OR WITHOUT QUADRUPEDAL LOCOMOTION 4; Cerebellar ataxia, mental retardation, and dysequilibrium syndrome 4; Cerebellar ataxia, intellectual disability, and dysequilibrium syndrome 4. Identifiers: Orphanet 1766, MedGen C3808977, MONDO:0014104, OMIM 615268.

Submission:

Women's Health and Genetics/Laboratory Corporation of America, LabCorp
Classification: Likely pathogenic for Cerebellar ataxia, impaired intellectual development, and dysequilibrium syndrome 4. Last evaluated: 2024-04-30. Review status: criteria provided, single submitter. Criteria: LabCorp Variant Classification Summary - May 2015. Collection method: clinical testing. Allele origin: germline.
Comment: Variant summary: ATP8A2 c.1287G>T (p.Lys429Asn) results in a non-conservative amino acid change located in the P-type ATPase, haloacid dehalogenase domain (IPR044492) of the encoded protein sequence. Four of four in-silico tools predict a damaging effect of the variant on protein function. The variant was absent in 247986 control chromosomes. c.1287G>T has been reported in the literature in an individual affected with clinical features of ATP8A2-related conditions, including developmental delay, hypotonia, optic atrophy and hyperkinetic movement (McMillian_2018). These data indicate that the variant may be associated with disease. At least one publication reports experimental evidence showing absent ATPase activity (Choi_2019). The following publications have been ascertained in the context of this evaluation (PMID: 31397519, 30012219). No submitters have cited clinical-significance assessments for this variant to ClinVar. Based on the evidence outlined above, the variant was classified as likely pathogenic.

Literature cited by the submitters: PubMed 31397519; PubMed 30012219.

NM_016529.6(ATP8A2):c.1287G>T (p.Lys429Asn)

Gene: ATP8A2 (ATPase phospholipid transporting 8A2). Cytogenetic location: 13q12.13.
Variant type: single nucleotide variant.
Coding change: c.1287G>T on transcript NM_016529.6 (MANE Select); coding-DNA position 1287, G replaced by T.
Protein change: p.Lys429Asn; replaces lysine 429 with asparagine.
Molecular consequence: missense variant.
Genome position (GRCh38, 1-based): chr13:25,558,996, G>T. VCF-style: chr13-25558996-G-T. GRCh37 (hg19) VCF-style: chr13-26133134-G-T.
Other names: c.1167G>T, p.Lys389Asn (NM_001313741.1); c.1287G>T, p.Lys429Asn (NM_001411005.1, NM_001411006.1); short protein forms K389N, K429N.
Identifiers: ClinVar variation 3251779 (VCV003251779.1), dbSNP rs2542384109.